The following is an entry in ClinVar:

ClinVar aggregate classification (germline): Uncertain significance. Review status: criteria provided, multiple submitters, no conflicts (2 of 4 stars). 2 submissions from 2 submitters: Uncertain significance (2). Last evaluated 2023-11-14.

Conditions:
Inborn genetic diseases. Identifiers: MedGen C0950123, MeSH D030342.
Epidermolysis bullosa, junctional 7, with interstitial lung disease and nephrotic syndrome. Also called: Interstitial Lung Disease with Nephrotic Syndrome and Epidermolysis Bullosa; Interstitial lung disease, nephrotic syndrome, and epidermolysis bullosa, congenital. Identifiers: Orphanet 306504, MedGen C4518785, MONDO:0013881, OMIM 614748.

Allele frequency attached by ClinVar (database versions not stated): gnomAD 0.00001; TOPMed 0.00002; ExAC 0.00002; ESP Exome Variant Server 0.00008.
gnomAD v4.1: 8 of 1,614,208 alleles (0.0005%); highest among the groups gnomAD compares: South Asian, 0.0022%; no homozygotes.

Submissions (2):

Ambry Genetics
Classification: Uncertain significance for Inborn genetic diseases. Last evaluated: 2023-11-14. Review status: criteria provided, single submitter. Criteria: Ambry Variant Classification Scheme 2023. Collection method: clinical testing. Allele origin: germline.

Neuberg Centre For Genomic Medicine, NCGM
Classification: Uncertain significance for Epidermolysis bullosa, junctional 7, with interstitial lung disease and nephrotic syndrome. Review status: criteria provided, single submitter. Criteria: ACMG Guidelines, 2015. Collection method: clinical testing. Allele origin: germline. Inheritance: Autosomal recessive inheritance. Affected: yes.
Comment: The observed missense c.1571G>Ap.Arg524His variant in ITGA3 gene has not been reported previously as a pathogenic variant nor as a benign variant, to our knowledge. This variant is reported with the allele frequency of 0% in the gnomAD Exomes. The amino acid Arg at position 524 is changed to a His changing protein sequence and it might alter its composition and physico-chemical properties. The amino acid change p.Arg524His in ITGA3 is predicted as conserved by GERP++ and PhyloP across 100 vertebrates. Multiple lines of computational evidence Polyphen - Damaging, SIFT - Damaging, and MutationTaster - Disease causing predict a damaging effect on protein structure and function for this variant. For these reasons, this variant has been classified as Uncertain Significance.

NM_002204.4(ITGA3):c.1571G>A (p.Arg524His)

Gene: ITGA3 (integrin subunit alpha 3; plus strand). Cytogenetic location: 17q21.33.
Variant type: single nucleotide variant.
Coding change: c.1571G>A on transcript NM_002204.4 (MANE Select); coding-DNA position 1571, G replaced by A.
Protein change: p.Arg524His; replaces arginine 524 with histidine.
Molecular consequence: missense variant.
Genome position (GRCh38, 1-based): chr17:50,075,632, G>A. VCF-style: chr17-50075632-G-A. GRCh37 (hg19) VCF-style: chr17-48152996-G-A.
Other names: NM_005501.2:c.1571G>A; short protein forms R524H.
Identifiers: ClinVar variation 3111206 (VCV003111206.2), dbSNP rs377276495, ClinGen allele CA8641604.